The following is an entry in ClinVar:

ClinVar aggregate classification (germline): Uncertain significance (1 of 4 stars; one submission).

Submission:

Labcorp Genetics (formerly Invitae), Labcorp
Classification: Uncertain significance. Last evaluated: 2023-12-11. Review status: criteria provided, single submitter. Criteria: Invitae Variant Classification Sherloc (09022015). Collection method: clinical testing. Allele origin: germline.
Comment: This sequence change replaces glutamic acid, which is acidic and polar, with glycine, which is neutral and non-polar, at codon 78 of the LAMA1 protein (p.Glu78Gly). This variant is not present in population databases (gnomAD no frequency). This variant has not been reported in the literature in individuals affected with LAMA1-related conditions. ClinVar contains an entry for this variant (Variation ID: 1960855). An algorithm developed to predict the effect of missense changes on protein structure and function (PolyPhen-2) suggests that this variant is likely to be tolerated. In summary, the available evidence is currently insufficient to determine the role of this variant in disease. Therefore, it has been classified as a Variant of Uncertain Significance.

NM_005559.4(LAMA1):c.233A>G (p.Glu78Gly)

Gene: LAMA1 (laminin subunit alpha 1; minus strand). Cytogenetic location: 18p11.31.
Variant type: single nucleotide variant.
Coding change: c.233A>G on transcript NM_005559.4 (MANE Select); coding-DNA position 233, A replaced by G.
Protein change: p.Glu78Gly; replaces glutamic acid 78 with glycine.
Molecular consequence: missense variant.
Genome position (GRCh38, 1-based): chr18:7,080,087, T>C on the plus strand (A>G on the coding strand, the complement: LAMA1 is on the minus strand). VCF-style: chr18-7080087-T-C. GRCh37 (hg19) VCF-style: chr18-7080086-T-C.
Other names: short protein forms E78G.
Identifiers: ClinVar variation 1960855 (VCV001960855.5), dbSNP rs2510109608, ClinGen allele CA401848790.
Genomic context (GRCh38, chr18:7,080,087, plus strand): 5'-ATGCTGGGACTTTGCCACCAGTTATTGGTGCCATCTATGGCATGTGATATTGGATGGCGT[T>C]CTGTTGAAAGAAAATAAAAAACATGAATTCCTCTCGGCTGTTGCTTTAAATTTCTTAAGT-3'
Protein context (NP_005550.2, residues 68-88): ICDGNSANPR[Glu78Gly]RHPISHAIDG